The following is an entry in ClinVar:

ClinVar aggregate classification (germline): Conflicting classifications of pathogenicity. Review status: criteria provided, conflicting classifications (1 of 4 stars). 4 submissions from 4 submitters: Uncertain significance (2); Likely benign (1). 1 of the submissions does not count toward it. Last evaluated 2025-12-08.

Conditions:
Neuromuscular disease caused by qualitative or quantitative defects of dysferlin. Also called: Dysferlinopathy; Qualitative or quantitative defects of dysferlin. Identifiers: Orphanet 207073, MedGen C2931687, MONDO:0016145.
Autosomal recessive limb-girdle muscular dystrophy type 2B (LGMDR2). Also called: Limb-girdle muscular dystrophy, type 2B; MUSCULAR DYSTROPHY, LIMB-GIRDLE, TYPE 3; Limb-Girdle Muscular Dystrophy Type 2B (LGMD2B); MUSCULAR DYSTROPHY, LIMB-GIRDLE, AUTOSOMAL RECESSIVE 2. Identifiers: Orphanet 268, MedGen C1850889, MONDO:0009676, OMIM 253601.

Allele frequency attached by ClinVar (database versions not stated): gnomAD 0.00007 and 0.00009; gnomAD exomes 0.00007; ExAC 0.00012; TOPMed 0.00012.
gnomAD v4.1: 173 of 1,610,360 alleles (0.011%); highest among the groups gnomAD compares: Middle Eastern, 0.016%; no homozygotes.

Submissions (4):

Labcorp Genetics (formerly Invitae), Labcorp
Classification: Likely benign for Neuromuscular disease caused by qualitative or quantitative defects of dysferlin. Last evaluated: 2025-12-08. Review status: criteria provided, single submitter. Criteria: Invitae Variant Classification Sherloc (09022015). Collection method: clinical testing. Allele origin: germline.

Women's Health and Genetics/Laboratory Corporation of America, LabCorp
Classification: Uncertain significance. Last evaluated: 2022-03-08. Review status: criteria provided, single submitter. Criteria: LabCorp Variant Classification Summary - May 2015. Collection method: clinical testing. Allele origin: germline.
Comment: Variant summary: DYSF c.5492C>T (p.Thr1831Met) results in a non-conservative amino acid change located in one of the C2 domains (IPR000008) of the encoded protein sequence. Four of five in-silico tools predict a damaging effect of the variant on protein function. The variant allele was found at a frequency of 7e-05 in 244432 control chromosomes (gnomAD). This frequency is not significantly higher than expected for a pathogenic variant in DYSF causing Limb-Girdle Muscular Dystrophy, Autosomal Recessive (7e-05 vs 0.0031), allowing no conclusion about variant significance. To our knowledge, no occurrence of c.5492C>T in individuals affected with Limb-Girdle Muscular Dystrophy, Autosomal Recessive and no experimental evidence demonstrating its impact on protein function have been reported. Two clinical diagnostic laboratories have submitted clinical-significance assessments for this variant to ClinVar after 2014, and both of them classified the variant as uncertain significance. Based on the evidence outlined above, the variant was classified as uncertain significance.

Revvity Omics, Revvity
Classification: Uncertain significance. Last evaluated: 2021-11-29. Review status: criteria provided, single submitter. Criteria: ACMG Guidelines, 2015. Collection method: clinical testing. Allele origin: germline.

Natera, Inc.
Classification: Uncertain significance for Limb-girdle muscular dystrophy type 2B. Last evaluated: 2019-10-28. Review status: no assertion criteria provided. Collection method: clinical testing. Allele origin: germline. Not counted in ClinVar's aggregate classification.

NM_001130987.2(DYSF):c.5609C>T (p.Thr1870Met)

Gene: DYSF (dysferlin; plus strand). Cytogenetic location: 2p13.2.
Variant type: single nucleotide variant.
Coding change: c.5609C>T on transcript NM_001130987.2 (MANE Select); coding-DNA position 5609, C replaced by T.
Protein change: p.Thr1870Met; replaces threonine 1870 with methionine.
Molecular consequence: missense variant.
Genome position (GRCh38, 1-based): chr2:71,669,174, C>T. VCF-style: chr2-71669174-C-T. GRCh37 (hg19) VCF-style: chr2-71896304-C-T.
Other names: c.5495C>T, p.Thr1832Met (NM_001130455.2); c.5450C>T, p.Thr1817Met (NM_001130976.2); c.5513C>T, p.Thr1838Met (NM_001130977.2); c.5555C>T, p.Thr1852Met (NM_001130978.2); c.5585C>T, p.Thr1862Met (NM_001130979.2); c.5543C>T, p.Thr1848Met (NM_001130980.2); c.5606C>T, p.Thr1869Met (NM_001130981.2); c.5588C>T, p.Thr1863Met (NM_001130982.2); and 5 more; short protein forms T1870M, T1831M, T1838M, T1839M, T1848M, T1817M, T1849M, T1862M.
Identifiers: ClinVar variation 538643 (VCV000538643.11), dbSNP rs199649417, ClinGen allele CA1707445.